The following is an entry in ClinVar:

NM_024649.5(BBS1):c.332G>A (p.Cys111Tyr)

Gene: BBS1 (Bardet-Biedl syndrome 1; plus strand). Cytogenetic location: 11q13.2.
Variant type: single nucleotide variant.
Coding change: c.332G>A on transcript NM_024649.5 (MANE Select); coding-DNA position 332, G replaced by A.
Protein change: p.Cys111Tyr; replaces cysteine 111 with tyrosine.
Molecular consequence: missense variant.
Genome position (GRCh38, 1-based): chr11:66,514,578, G>A. VCF-style: chr11-66514578-G-A. GRCh37 (hg19) VCF-style: chr11-66282049-G-A.
Other names: short protein forms C111Y.
Identifiers: ClinVar variation 969195 (VCV000969195.12), dbSNP rs765960634, ClinGen allele CA6123308.
Genomic context (GRCh38, chr11:66,514,578, plus strand): 5'-CCTTCCTCATGGAGCAACATGAGCCCCGGACCCCAGCTCTGGCACTTGCTTCAGGCCCTT[G>A]TGTCTATGTGTATAAGAATCTCAGACCCTACTTCAAGTTCAGCCTGCCCCAATTGCCTCC-3'
Protein context (NP_078925.3, residues 101-121): TPALALASGP[Cys111Tyr]VYVYKNLRPY

ClinVar aggregate classification (germline): Uncertain significance. Review status: criteria provided, multiple submitters, no conflicts (2 of 4 stars). 5 submissions from 5 submitters: Uncertain significance (4). 1 of the submissions does not count toward it. Last evaluated 2026-09-17.

Conditions:
Inborn genetic diseases. Identifiers: MedGen C0950123, MeSH D030342.
Bardet-Biedl syndrome (BBS). Identifiers: Orphanet 110, MedGen C0752166, MONDO:0015229.
Bardet-Biedl syndrome 1 (BBS1). Identifiers: MedGen C2936862, MONDO:0008854, OMIM 209900. Disease mechanism: loss of function.
BBS1-related disorder. Also called: BBS1-related condition.

Allele frequency attached by ClinVar (database versions not stated): ExAC 0.00001; gnomAD exomes 0.00001 and 0.00002; TOPMed 0.00001; gnomAD 0.00003.
gnomAD v4.1: 39 of 1,613,980 alleles (0.0024%); highest among the groups gnomAD compares: Non-Finnish European, 0.0031%; no homozygotes.

Submissions (5):

PreventionGenetics, part of Exact Sciences
Classification: Uncertain significance for BBS1-related condition. Last evaluated: 2026-09-17. Review status: criteria provided, single submitter. Criteria: ACMG Guidelines, 2015. Collection method: clinical testing. Allele origin: germline.
Comment: The BBS1 c.332G>A variant is predicted to result in the amino acid substitution p.Cys111Tyr. To our knowledge, this variant has not been reported in the literature. This variant is reported in 0.0040% of alleles in individuals of African descent in gnomAD. At this time, the clinical significance of this variant is uncertain due to the absence of conclusive functional and genetic evidence.

Ambry Genetics
Classification: Uncertain significance for Inborn genetic diseases. Last evaluated: 2024-12-25. Review status: criteria provided, single submitter. Criteria: Ambry Variant Classification Scheme 2023. Collection method: clinical testing. Allele origin: germline.

Labcorp Genetics (formerly Invitae), Labcorp
Classification: Uncertain significance for Bardet-Biedl syndrome. Last evaluated: 2022-10-25. Review status: criteria provided, single submitter. Criteria: Invitae Variant Classification Sherloc (09022015). Collection method: clinical testing. Allele origin: germline.
Comment: This sequence change replaces cysteine, which is neutral and slightly polar, with tyrosine, which is neutral and polar, at codon 111 of the BBS1 protein (p.Cys111Tyr). This variant is present in population databases (rs765960634, gnomAD 0.004%). This variant has not been reported in the literature in individuals affected with BBS1-related conditions. ClinVar contains an entry for this variant (Variation ID: 969195). Advanced modeling of protein sequence and biophysical properties (such as structural, functional, and spatial information, amino acid conservation, physicochemical variation, residue mobility, and thermodynamic stability) performed at Invitae indicates that this missense variant is not expected to disrupt BBS1 protein function. In summary, the available evidence is currently insufficient to determine the role of this variant in disease. Therefore, it has been classified as a Variant of Uncertain Significance.

Fulgent Genetics
Classification: Uncertain significance for Bardet-Biedl syndrome 1. Last evaluated: 2022-01-12. Review status: criteria provided, single submitter. Criteria: ACMG Guidelines, 2015. Collection method: clinical testing. Allele origin: unknown.

Natera, Inc.
Classification: Uncertain significance for Bardet-Biedl syndrome type 1. Last evaluated: 2020-02-28. Review status: no assertion criteria provided. Collection method: clinical testing. Allele origin: germline. Not counted in ClinVar's aggregate classification.